The following is an entry in ClinVar:

ClinVar aggregate classification (germline): Conflicting classifications of pathogenicity. Review status: criteria provided, conflicting classifications (1 of 4 stars). 5 submissions from 5 submitters: Uncertain significance (4); Likely benign (1). Last evaluated 2025-12-09.

Conditions:
CYP27A1-related disorder. Also called: CYP27A1-related condition.
Cardiovascular phenotype. Identifiers: MedGen CN230736.
Cholestanol storage disease (CTX). Also called: CTX: Cerebrotendinous xanthomatosis; Cerebrotendinous Xanthomatosis; CEREBRAL CHOLESTERINOSIS. Identifiers: Orphanet 909, MedGen C0238052, MONDO:0008948, OMIM 213700.

Allele frequency attached by ClinVar (database versions not stated): TOPMed 0.00003; gnomAD exomes 0.00006 and 0.00013; gnomAD 0.00007 and 0.00009; ExAC 0.00010; 1000 Genomes Project 30x 0.00016; 1000 Genomes Project 0.00020.
gnomAD v4.1: 104 of 1,614,192 alleles (0.0064%); highest among the groups gnomAD compares: South Asian, 0.044%; 1 homozygote.

Submissions (5):

Labcorp Genetics (formerly Invitae), Labcorp
Classification: Likely benign for Cholestanol storage disease. Last evaluated: 2025-12-09. Review status: criteria provided, single submitter. Criteria: Invitae Variant Classification Sherloc (09022015). Collection method: clinical testing. Allele origin: germline.

PreventionGenetics, part of Exact Sciences
Classification: Uncertain significance for CYP27A1-related condition. Last evaluated: 2025-11-06. Review status: criteria provided, single submitter. Criteria: ACMG Guidelines, 2015. Collection method: clinical testing. Allele origin: germline.
Comment: The CYP27A1 c.593C>T variant is predicted to result in the amino acid substitution p.Ser198Leu. To our knowledge, this variant has not been reported in the literature. This variant is reported in 0.088% of alleles in individuals of European (Finnish) descent in gnomAD, which may be too frequent to be a primary cause of disease. Although we suspect that this variant may be benign, the clinical significance of this variant is currently classified as uncertain due to the absence of conclusive functional and genetic evidence.

GeneDx
Classification: Uncertain significance. Last evaluated: 2025-06-20. Review status: criteria provided, single submitter. Criteria: GeneDx Variant Classification Process June 2021. Collection method: clinical testing. Allele origin: germline. Affected: yes.
Comment: In silico analysis supports that this missense variant has a deleterious effect on protein structure/function; Has not been previously published as pathogenic or benign to our knowledge

Blueprint Genetics
Classification: Uncertain significance. Last evaluated: 2024-09-24. Review status: criteria provided, single submitter. Criteria: ACMG Guidelines, 2015. Collection method: clinical testing. Allele origin: germline.

Ambry Genetics
Classification: Uncertain significance for Cardiovascular phenotype. Last evaluated: 2023-10-19. Review status: criteria provided, single submitter. Criteria: Ambry Variant Classification Scheme 2023. Collection method: clinical testing. Allele origin: germline.
Comment: The p.S198L variant (also known as c.593C>T), located in coding exon 3 of the CYP27A1 gene, results from a C to T substitution at nucleotide position 593. The serine at codon 198 is replaced by leucine, an amino acid with dissimilar properties. This amino acid position is conserved. In addition, this alteration is predicted to be tolerated by in silico analysis. Since supporting evidence is limited at this time, the clinical significance of this alteration remains unclear.

NM_000784.4(CYP27A1):c.593C>T (p.Ser198Leu)

Gene: CYP27A1 (cytochrome P450 family 27 subfamily A member 1; plus strand). Cytogenetic location: 2q35.
Variant type: single nucleotide variant.
Coding change: c.593C>T on transcript NM_000784.4 (MANE Select); coding-DNA position 593, C replaced by T.
Protein change: p.Ser198Leu; replaces serine 198 with leucine.
Molecular consequence: missense variant.
Genome position (GRCh38, 1-based): chr2:218,812,368, C>T. VCF-style: chr2-218812368-C-T. GRCh37 (hg19) VCF-style: chr2-219677091-C-T.
Other names: short protein forms S198L.
Identifiers: ClinVar variation 1153225 (VCV001153225.14), dbSNP rs563736306, ClinGen allele CA2112660.
Genomic context (GRCh38, chr2:218,812,368, plus strand): 5'-TCAATGAGGTGATTGATGACTTTATGACTCGACTGGACCAGCTGCGGGCAGAGAGTGCTT[C>T]GGGGAACCAGGTGTCGGACATGGCTCAACTCTTCTACTACTTTGCCTTGGAAGGTACCCT-3'
Protein context (NP_000775.1, residues 188-208): RLDQLRAESA[Ser198Leu]GNQVSDMAQL